The following is an entry in ClinVar:

NM_001080512.3(BICC1):c.2918G>A (p.Arg973His)

Gene: BICC1 (BicC family RNA binding protein 1; plus strand). Cytogenetic location: 10q21.1.
Variant type: single nucleotide variant.
Coding change: c.2918G>A on transcript NM_001080512.3 (MANE Select); coding-DNA position 2918, G replaced by A.
Protein change: p.Arg973His; replaces arginine 973 with histidine.
Molecular consequence: missense variant.
Genome position (GRCh38, 1-based): chr10:58,828,884, G>A. VCF-style: chr10-58828884-G-A. GRCh37 (hg19) VCF-style: chr10-60588644-G-A.
Other names: short protein forms R973H.
Identifiers: ClinVar variation 2178187 (VCV002178187.4), dbSNP rs188926102, ClinGen allele CA5508946.

ClinVar aggregate classification (germline): Uncertain significance (1 of 4 stars; one submission).

Allele frequency attached by ClinVar (database versions not stated): ExAC 0.00007; gnomAD 0.00010; ESP Exome Variant Server 0.00015; TOPMed 0.00015; 1000 Genomes Project 0.00020; 1000 Genomes Project 30x 0.00031.
gnomAD v4.1: 126 of 1,613,752 alleles (0.0078%); highest among the groups gnomAD compares: Admixed American, 0.037%; no homozygotes.

Submission:

Labcorp Genetics (formerly Invitae), Labcorp
Classification: Uncertain significance. Last evaluated: 2025-11-23. Review status: criteria provided, single submitter. Criteria: Invitae Variant Classification Sherloc (09022015). Collection method: clinical testing. Allele origin: germline.
Comment: This sequence change replaces arginine, which is basic and polar, with histidine, which is basic and polar, at codon 973 of the BICC1 protein (p.Arg973His). This variant is present in population databases (rs188926102, gnomAD 0.04%). This variant has not been reported in the literature in individuals affected with BICC1-related conditions. ClinVar contains an entry for this variant (Variation ID: 2178187). An algorithm developed to predict the effect of missense changes on protein structure and function (PolyPhen-2) suggests that this variant is likely to be disruptive. In summary, the available evidence is currently insufficient to determine the role of this variant in disease. Therefore, it has been classified as a Variant of Uncertain Significance.